The following is an entry in ClinVar:

ClinVar aggregate classification (germline): Uncertain significance. Review status: criteria provided, multiple submitters, no conflicts (2 of 4 stars). 3 submissions from 3 submitters: Uncertain significance (3). Last evaluated 2025-11-10.

Conditions:
CTNNA1-related disorder. Also called: CTNNA1-related condition.
Hereditary cancer-predisposing syndrome. Also called: Tumor predisposition; Hereditary neoplastic syndrome; Neoplastic Syndromes, Hereditary; Hereditary Cancer Syndrome. Identifiers: Orphanet 140162, MedGen C0027672, MeSH D009386, MONDO:0015356.

Allele frequency attached by ClinVar (database versions not stated): ExAC 0.00001; gnomAD 0.00001 and 0.00002; gnomAD exomes 0.00001; TOPMed 0.00001.
gnomAD v4.1: 18 of 1,614,038 alleles (0.0011%); highest among the groups gnomAD compares: South Asian, 0.0066%; no homozygotes.

Submissions (3):

Labcorp Genetics (formerly Invitae), Labcorp
Classification: Uncertain significance. Last evaluated: 2025-11-10. Review status: criteria provided, single submitter. Criteria: Invitae Variant Classification Sherloc (09022015). Collection method: clinical testing. Allele origin: germline.
Comment: This sequence change replaces serine, which is neutral and polar, with leucine, which is neutral and non-polar, at codon 349 of the CTNNA1 protein (p.Ser349Leu). This variant is present in population databases (rs201056930, gnomAD 0.006%). This variant has not been reported in the literature in individuals affected with CTNNA1-related conditions. ClinVar contains an entry for this variant (Variation ID: 845373). Invitae Evidence Modeling of protein sequence and biophysical properties (such as structural, functional, and spatial information, amino acid conservation, physicochemical variation, residue mobility, and thermodynamic stability) indicates that this missense variant is not expected to disrupt CTNNA1 protein function with a negative predictive value of 80%. In summary, the available evidence is currently insufficient to determine the role of this variant in disease. Therefore, it has been classified as a Variant of Uncertain Significance.

Ambry Genetics
Classification: Uncertain significance for Hereditary cancer-predisposing syndrome. Last evaluated: 2025-02-11. Review status: criteria provided, single submitter. Criteria: Ambry Variant Classification Scheme 2023. Collection method: clinical testing. Allele origin: germline.
Comment: The p.S349L variant (also known as c.1046C>T), located in coding exon 6 of the CTNNA1 gene, results from a C to T substitution at nucleotide position 1046. The serine at codon 349 is replaced by leucine, an amino acid with dissimilar properties. This amino acid position is highly conserved in available vertebrate species. In addition, the in silico prediction for this alteration is inconclusive. The evidence for this gene-disease relationship is limited; therefore, the clinical significance of this alteration is unclear.

PreventionGenetics, part of Exact Sciences
Classification: Uncertain significance for CTNNA1-related condition. Last evaluated: 2022-10-18. Review status: criteria provided, single submitter. Criteria: ACMG Guidelines, 2015. Collection method: clinical testing. Allele origin: germline.
Comment: The CTNNA1 c.1046C>T variant is predicted to result in the amino acid substitution p.Ser349Leu. This variant has been reported in individuals with gastric and/or breast cancer (Clark et al. 2020. PubMed ID: 32051609. Table S1). This variant is reported in 0.0065% of alleles in individuals of South Asian descent in gnomAD. In ClinVar, this variant is interpreted as uncertain. At this time, the clinical significance of this variant is uncertain due to the absence of conclusive functional and genetic evidence.

NM_001903.5(CTNNA1):c.1046C>T (p.Ser349Leu)

Gene: CTNNA1 (catenin alpha 1; plus strand). Cytogenetic location: 5q31.2.
Variant type: single nucleotide variant.
Coding change: c.1046C>T on transcript NM_001903.5 (MANE Select); coding-DNA position 1046, C replaced by T.
Protein change: p.Ser349Leu; replaces serine 349 with leucine.
Molecular consequence: missense variant.
Genome position (GRCh38, 1-based): chr5:138,827,702, C>T. VCF-style: chr5-138827702-C-T. GRCh37 (hg19) VCF-style: chr5-138163391-C-T.
Other names: c.1046C>T (NM_001903.4); c.1046C>T, p.Ser349Leu (NM_001290307.3, NM_001323982.2, NM_001323983.1 and 3 more transcripts); c.737C>T, p.Ser246Leu (NM_001290309.3); c.677C>T, p.Ser226Leu (NM_001290310.3); short protein forms S226L, S246L, S349L.
Identifiers: ClinVar variation 845373 (VCV000845373.12), dbSNP rs201056930, ClinGen allele CA3431607.